The following is an entry in ClinVar:

ClinVar aggregate classification (germline): Pathogenic/Likely pathogenic. Review status: criteria provided, multiple submitters, no conflicts (2 of 4 stars). 5 submissions from 5 submitters: Pathogenic (2); Likely pathogenic (3). Last evaluated 2025-05-09.

Conditions:
Hereditary cancer-predisposing syndrome. Also called: Neoplastic Syndromes, Hereditary; Hereditary neoplastic syndrome; Tumor predisposition; Hereditary Cancer Syndrome. Identifiers: Orphanet 140162, MedGen C0027672, MeSH D009386, MONDO:0015356.
Familial cancer of breast. Also called: hereditary breast carcinoma; Hereditary breast cancer; BREAST CANCER, FAMILIAL. Identifiers: Orphanet 227535, MedGen C0346153, MONDO:0016419, OMIM 114480. Disease mechanism: loss of function.
Ataxia-telangiectasia syndrome (AT). Also called: Ataxia telangiectasia (A-T); Cerebello-oculocutaneous telangiectasia; Immunodeficiency with ataxia telangiectasia; LOUIS-BAR SYNDROME; AT, COMPLEMENTATION GROUP C; ATAXIA-TELANGIECTASIA, FRESNO VARIANT. Identifiers: Orphanet 100, MedGen C0004135, MONDO:0008840, OMIM 208900.

Submissions (5):

Labcorp Genetics (formerly Invitae), Labcorp
Classification: Pathogenic for Ataxia-telangiectasia syndrome. Last evaluated: 2025-05-09. Review status: criteria provided, single submitter. Criteria: Invitae Variant Classification Sherloc (09022015). Collection method: clinical testing. Allele origin: germline.
Comment: This sequence change is expected to alter the c-terminus of the ATM protein (p.Gln3014Thrfs*49). While this is not anticipated to result in nonsense mediated decay, it is expected to disrupt the last 43 amino acid(s) of the ATM protein and extend the protein by 5 additional amino acid residues. This variant is not present in population databases (gnomAD no frequency). This variant has not been reported in the literature in individuals affected with ATM-related conditions. ClinVar contains an entry for this variant (Variation ID: 245841). RNA analysis provides insufficient evidence to determine the effect of this variant on ATM splicing (internal data). This variant disrupts a region of the ATM protein in which other variant(s) (p.Arg3047*) have been determined to be pathogenic (PMID: 8755918, 10980530, 18560558, 19431188, 19691550, 26628246). This suggests that this is a clinically significant region of the protein, and that variants that disrupt it are likely to be disease-causing. For these reasons, this variant has been classified as Pathogenic.

Myriad Genetics, Inc.
Classification: Likely pathogenic for Familial cancer of breast. Last evaluated: 2024-02-06. Review status: criteria provided, single submitter. Criteria: Myriad Autosomal Dominant, Autosomal Recessive and X-Linked Classification Criteria (2023). Collection method: clinical testing. Allele origin: unknown.
Comment: This variant is considered likely pathogenic. This variant creates a frameshift predicted to result in the incorporation of abnormal amino acid sequence into the protein product and abnormal protein elongation. This variant has been reported in multiple individuals with clinical features of gene-specific disease [PMID: 16266405, 25614872, 15039971, 21965147].

Baylor Genetics
Classification: Likely pathogenic for Familial cancer of breast. Last evaluated: 2023-03-30. Review status: criteria provided, single submitter. Criteria: ACMG Guidelines, 2015. Collection method: clinical testing. Allele origin: unknown.

Ambry Genetics
Classification: Likely pathogenic for Hereditary cancer-predisposing syndrome. Last evaluated: 2021-09-29. Review status: criteria provided, single submitter. Criteria: Ambry Variant Classification Scheme 2023. Collection method: clinical testing. Allele origin: germline.
Comment: The c.9039dupA variant, located in coding exon 62 of the ATM gene, results from a duplication of A at nucleotide position 9039, causing a translational frameshift with a predicted alternate stop codon (p.Q3014Tfs*49). This alteration occurs at the 3' terminus of ATM gene, is not expected to trigger nonsense-mediated mRNAdecay and results in the elongation of the protein by 5 amino acids. This frameshift impacts the last 43amino acids of the native protein. However, frameshifts are typically deleterious in nature and the impacted region is critical for protein function (Ambry internal data). This variant is considered to be rare based on population cohorts in the Genome Aggregation Database (gnomAD). Based on the majority of available evidence to date, this variant is likely to be pathogenic.

GeneDx
Classification: Pathogenic. Last evaluated: 2015-07-16. Review status: criteria provided, single submitter. Criteria: GeneDx Variant Classification (06012015). Collection method: clinical testing. Allele origin: germline. Affected: yes.
Comment: This duplication of one nucleotide in ATM is denoted c.9039dupA at the cDNA level and p.Gln3014ThrfsX49 (Q3014TfsX49) at the protein level. The normal sequence, with the base that is duplicated in braces, is GACT[A]CAAG. The duplication causes a frameshift, which changes a Glutamine to a Threonine at codon 3014 in exon 63, and creates a premature stop codon at position 49 of the new reading frame. This variant has not, to our knowledge, been reported in the literature. Even though this frameshift occurs in the last exon of the gene, and nonsense-mediated decay is not expected to occur, it is significant since the last 43 amino acids are replaced with 48 incorrect amino acids and impacts the FATC domain (Tavtigian 2009, Stracker 2013). We consider this variant to be pathogenic.

Literature cited by the submitters: PubMed 8755918 (cited by Labcorp Genetics (formerly Invitae), Labcorp); PubMed 10980530 (cited by Labcorp Genetics (formerly Invitae), Labcorp); PubMed 18560558 (cited by Labcorp Genetics (formerly Invitae), Labcorp); PubMed 19431188 (cited by Labcorp Genetics (formerly Invitae), Labcorp); PubMed 19691550 (cited by Labcorp Genetics (formerly Invitae), Labcorp); PubMed 26628246 (cited by Labcorp Genetics (formerly Invitae), Labcorp); PubMed 16266405 (cited by Myriad Genetics, Inc.); PubMed 25614872 (cited by Myriad Genetics, Inc.); PubMed 15039971 (cited by Myriad Genetics, Inc.); PubMed 21965147 (cited by Myriad Genetics, Inc.).

NM_000051.4(ATM):c.9039dup (p.Gln3014fs)

Genes: C11orf65 (chromosome 11 open reading frame 65; minus strand), ATM (ATM serine/threonine kinase; plus strand). Cytogenetic location: 11q22.3.
Variant type: Duplication.
Coding change: c.9039dup on transcript NM_000051.4 (MANE Select); coding-DNA position 9039, one base duplicated (A; older notation c.9039dupA).
Protein change: p.Gln3014fs; shifts the reading frame from glutamine 3014.
Molecular consequence: frameshift variant. On other transcripts: intron variant (2).
Genome position (GRCh38, 1-based): chr11:108,365,376, A duplicated. VCF-style (leftmost placement, unchanged base first): chr11-108365375-T-TA. GRCh37 (hg19) VCF-style: chr11-108236102-T-TA.
Other names: c.9039dupA (NM_000051.3); c.9039dup, p.Gln3014fs (NM_001351834.2); c.640+20544dup (NM_001330368.2); c.694+20544dup (NM_001351110.2); short protein forms Q3014fs.
Identifiers: ClinVar variation 245841 (VCV000245841.13), dbSNP rs879253972, ClinGen allele CA10584379.